The following is an entry in ClinVar:

NM_000070.3(CAPN3):c.491A>C (p.His164Pro)

Genes: CAPN3 (calpain 3; plus strand), LOC126862115 (BRD4-independent group 4 enhancer GRCh37_chr15:42677734-42678933; plus strand). Cytogenetic location: 15q15.1.
Variant type: single nucleotide variant.
Coding change: c.491A>C on transcript NM_000070.3 (MANE Select); coding-DNA position 491, A replaced by C.
Protein change: p.His164Pro; replaces histidine 164 with proline.
Molecular consequence: missense variant.
Genome position (GRCh38, 1-based): chr15:42,386,278, A>C. VCF-style: chr15-42386278-A-C. GRCh37 (hg19) VCF-style: chr15-42678476-A-C.
Other names: c.491A>C, p.His164Pro (NM_024344.2, NM_173087.2); short protein forms H164P.
Identifiers: ClinVar variation 1695458 (VCV001695458.3), dbSNP rs1302172231, ClinGen allele CA391997707.

ClinVar aggregate classification (germline): Uncertain significance (1 of 4 stars; one submission).

Submission:

GeneDx
Classification: Uncertain significance. Last evaluated: 2025-02-16. Review status: criteria provided, single submitter. Criteria: GeneDx Variant Classification Process June 2021. Collection method: clinical testing. Allele origin: germline. Affected: yes.
Comment: Reported, along with a second variant in CAPN3, in an individual with limb-girdle muscular dystrophy type 2A (PMID: 19556129); Not observed at significant frequency in large population cohorts (gnomAD); In silico analysis supports that this missense variant has a deleterious effect on protein structure/function; This variant is associated with the following publications: (PMID: 19556129)